The following is an entry in ClinVar:

NM_001197104.2(KMT2A):c.8282C>T (p.Pro2761Leu)

Gene: KMT2A (lysine methyltransferase 2A; plus strand). Cytogenetic location: 11q23.3.
Variant type: single nucleotide variant.
Coding change: c.8282C>T on transcript NM_001197104.2 (MANE Select); coding-DNA position 8282, C replaced by T.
Protein change: p.Pro2761Leu; replaces proline 2761 with leucine.
Molecular consequence: missense variant.
Genome position (GRCh38, 1-based): chr11:118,504,174, C>T. VCF-style: chr11-118504174-C-T. GRCh37 (hg19) VCF-style: chr11-118374889-C-T.
Other names: c.8372C>T, p.Pro2791Leu (NM_001412597.1); c.8273C>T, p.Pro2758Leu (NM_005933.4); short protein forms P2791L, P2758L, P2761L.
Identifiers: ClinVar variation 2722313 (VCV002722313.4), dbSNP rs781816513, ClinGen allele CA6304482.
Genomic context (GRCh38, chr11:118,504,174, plus strand): 5'-GCCAGATTCCAAAAAGAAATGGTAAAGAAAATGGAACAGAGAACTTAAAGATTGATAGAC[C>T]TGAAGATGCTGGGGAGAAAGAACATGTCACTAAGAGTTCTGTTGGCCACAAAAATGAGCC-3'
Protein context (NP_001184033.1, residues 2751-2771): NGTENLKIDR[Pro2761Leu]EDAGEKEHVT

ClinVar aggregate classification (germline): Uncertain significance. Review status: criteria provided, multiple submitters, no conflicts (2 of 4 stars). 2 submissions from 2 submitters: Uncertain significance (2). Last evaluated 2023-02-02.

Allele frequency attached by ClinVar (database versions not stated): ExAC 0.00001.
gnomAD v4.1: 2 of 1,614,092 alleles (0.00012%); highest among the groups gnomAD compares: Admixed American, 0.0017%; no homozygotes.

Submissions (2):

Labcorp Genetics (formerly Invitae), Labcorp
Classification: Uncertain significance. Last evaluated: 2023-02-02. Review status: criteria provided, single submitter. Criteria: Invitae Variant Classification Sherloc (09022015). Collection method: clinical testing. Allele origin: germline.
Comment: This sequence change replaces proline, which is neutral and non-polar, with leucine, which is neutral and non-polar, at codon 2761 of the KMT2A protein (p.Pro2761Leu). This variant is present in population databases (rs781816513, gnomAD 0.006%). This variant has not been reported in the literature in individuals affected with KMT2A-related conditions. Advanced modeling of protein sequence and biophysical properties (such as structural, functional, and spatial information, amino acid conservation, physicochemical variation, residue mobility, and thermodynamic stability) performed at Invitae indicates that this missense variant is not expected to disrupt KMT2A protein function. In summary, the available evidence is currently insufficient to determine the role of this variant in disease. Therefore, it has been classified as a Variant of Uncertain Significance.

Blueprint Genetics
Classification: Uncertain significance. Last evaluated: 2020-06-11. Review status: criteria provided, single submitter. Criteria: ACMG Guidelines, 2015. Collection method: clinical testing. Allele origin: germline.